The following is an entry in ClinVar:

NM_020693.4(DSCAML1):c.4244-4_4244-3delinsAA

Gene: DSCAML1 (DS cell adhesion molecule like 1; minus strand). Cytogenetic location: 11q23.3.
Variant type: Indel.
Coding change: c.4244-4_4244-3delinsAA on transcript NM_020693.4 (MANE Select); 4 bases into the intron before coding-DNA position 4244 through 3 bases into the intron before coding-DNA position 4244, GC replaced by AA.
Molecular consequence: intron variant.
Genome position (GRCh38, 1-based): chr11:117,438,086-117,438,087, GC replaced by TT on the plus strand (GC replaced by AA on the coding strand, the reverse complement: DSCAML1 is on the minus strand). VCF-style: chr11-117438086-GC-TT. GRCh37 (hg19) VCF-style: chr11-117308802-GC-TT.
Identifiers: ClinVar variation 2798946 (VCV002798946.3), dbSNP rs2542998531, ClinGen allele CA2739271027.

ClinVar aggregate classification (germline): Uncertain significance (1 of 4 stars; one submission).

Submission:

Labcorp Genetics (formerly Invitae), Labcorp
Classification: Uncertain significance. Last evaluated: 2023-07-07. Review status: criteria provided, single submitter. Criteria: Invitae Variant Classification Sherloc (09022015). Collection method: clinical testing. Allele origin: germline.
Comment: This sequence change falls in intron 24 of the DSCAML1 gene. It does not directly change the encoded amino acid sequence of the DSCAML1 protein. It affects a nucleotide within the consensus splice site. Information on the frequency of this variant in the gnomAD database is not available, as this variant may be reported differently in the database. This variant has not been reported in the literature in individuals affected with DSCAML1-related conditions. Variants that disrupt the consensus splice site are a relatively common cause of aberrant splicing (PMID: 17576681, 9536098). Experimental studies and prediction algorithms are not available or were not evaluated, and the effect of this variant on mRNA splicing is currently unknown. In summary, the available evidence is currently insufficient to determine the role of this variant in disease. Therefore, it has been classified as a Variant of Uncertain Significance.

Literature cited by the submitters: PubMed 17576681; PubMed 9536098.